The following is an entry in ClinVar:

NM_001457.4(FLNB):c.4604G>T (p.Ser1535Ile)

Gene: FLNB (filamin B; plus strand). Cytogenetic location: 3p14.3.
Variant type: single nucleotide variant.
Coding change: c.4604G>T on transcript NM_001457.4 (MANE Select); coding-DNA position 4604, G replaced by T.
Protein change: p.Ser1535Ile; replaces serine 1535 with isoleucine.
Molecular consequence: missense variant.
Genome position (GRCh38, 1-based): chr3:58,134,705, G>T. VCF-style: chr3-58134705-G-T. GRCh37 (hg19) VCF-style: chr3-58120432-G-T.
Other names: c.4697G>T, p.Ser1566Ile (NM_001164317.2); c.4604G>T, p.Ser1535Ile (NM_001164318.2, NM_001164319.2); short protein forms S1535I, S1566I.
Identifiers: ClinVar variation 4975662 (VCV004975662.1).
Genomic context (GRCh38, chr3:58,134,705, plus strand): 5'-ATGATGCCAGCAAAGTGACTGCCAGTGGCCCCGGCCTTAGTTCCTATGGTGTGCCTGCCA[G>T]TCTACCTGTGGACTTTGCAATTGATGCCCGAGATGCCGGGGAAGGCCTGCTTGCTGTTCA-3'
Protein context (NP_001448.2, residues 1525-1545): PGLSSYGVPA[Ser1535Ile]LPVDFAIDAR

ClinVar aggregate classification (germline): Uncertain significance (1 of 4 stars; one submission).

Submission:

GeneDx
Classification: Uncertain significance. Last evaluated: 2026-01-25. Review status: criteria provided, single submitter. Criteria: GeneDx Variant Classification Process June 2021. Collection method: clinical testing. Allele origin: germline.
Comment: Not observed at significant frequency in large population cohorts (gnomAD); In silico analysis supports that this missense variant has a deleterious effect on protein structure/function; Has not been previously published as pathogenic or benign to our knowledge